The following is an entry in ClinVar:

ClinVar aggregate classification (germline): Uncertain significance (1 of 4 stars; one submission).

Conditions:
Developmental and epileptic encephalopathy, 30 (DEE30). Also called: Epileptic encephalopathy, early infantile, 30. Identifiers: MedGen C4225360, MONDO:0014595, OMIM 616341.

Submission:

Labcorp Genetics (formerly Invitae), Labcorp
Classification: Uncertain significance for Developmental and epileptic encephalopathy, 30. Last evaluated: 2025-06-29. Review status: criteria provided, single submitter. Criteria: Invitae Variant Classification Sherloc (09022015). Collection method: clinical testing. Allele origin: germline.
Comment: This sequence change replaces proline, which is neutral and non-polar, with alanine, which is neutral and non-polar, at codon 535 of the SIK1 protein (p.Pro535Ala). This variant is not present in population databases (gnomAD no frequency). This variant has not been reported in the literature in individuals affected with SIK1-related conditions. Invitae Evidence Modeling of protein sequence and biophysical properties (such as structural, functional, and spatial information, amino acid conservation, physicochemical variation, residue mobility, and thermodynamic stability) indicates that this missense variant is not expected to disrupt SIK1 protein function with a negative predictive value of 95%. In summary, the available evidence is currently insufficient to determine the role of this variant in disease. Therefore, it has been classified as a Variant of Uncertain Significance.

NM_173354.5(SIK1):c.1603C>G (p.Pro535Ala)

Gene: SIK1 (salt inducible kinase 1; minus strand). Cytogenetic location: 21q22.3.
Variant type: single nucleotide variant.
Coding change: c.1603C>G on transcript NM_173354.5 (MANE Select); coding-DNA position 1603, C replaced by G.
Protein change: p.Pro535Ala; replaces proline 535 with alanine.
Molecular consequence: missense variant.
Genome position (GRCh38, 1-based): chr21:43,418,401, G>C on the plus strand (C>G on the coding strand, the complement: SIK1 is on the minus strand). VCF-style: chr21-43418401-G-C. GRCh37 (hg19) VCF-style: chr21-44838281-G-C.
Other names: short protein forms P535A.
Identifiers: ClinVar variation 4803223 (VCV004803223.1).